The following is an entry in ClinVar:

ClinVar aggregate classification (germline): Uncertain significance (1 of 4 stars; one submission).

Conditions:
Charcot-Marie-Tooth disease axonal type 2V. Also called: CHARCOT-MARIE-TOOTH NEUROPATHY, TYPE 2V; CHARCOT-MARIE-TOOTH DISEASE, AXONAL, AUTOSOMAL DOMINANT, TYPE 2V. Identifiers: Orphanet 447964, MedGen C5569050, MONDO:0014665, OMIM 616491.
Mucopolysaccharidosis, MPS-III-B (MPS3B). Also called: N-ACETYL-ALPHA-D-GLUCOSAMINIDASE DEFICIENCY; NAGLU DEFICIENCY; SANFILIPPO SYNDROME B; MPS III B; MUCOPOLYSACCHARIDOSIS, TYPE IIIB; MPS IIIB (Sanfilippo Syndrome Type B). Identifiers: Orphanet 79270, MedGen C0086648, MONDO:0009656, OMIM 252920.

Allele frequency attached by ClinVar (database versions not stated): gnomAD exomes below 0.00001.
gnomAD v4.1: 2 of 1,471,540 alleles (0.00014%); highest among the groups gnomAD compares: Non-Finnish European, 0.00018%; no homozygotes.

Submission:

Labcorp Genetics (formerly Invitae), Labcorp
Classification: Uncertain significance for Charcot-Marie-Tooth disease axonal type 2V; Mucopolysaccharidosis, MPS-III-B. Last evaluated: 2022-04-11. Review status: criteria provided, single submitter. Criteria: Invitae Variant Classification Sherloc (09022015). Collection method: clinical testing. Allele origin: germline.
Comment: This sequence change replaces leucine, which is neutral and non-polar, with proline, which is neutral and non-polar, at codon 93 of the NAGLU protein (p.Leu93Pro). This variant is not present in population databases (gnomAD no frequency). This variant has not been reported in the literature in individuals affected with NAGLU-related conditions. Advanced modeling of protein sequence and biophysical properties (such as structural, functional, and spatial information, amino acid conservation, physicochemical variation, residue mobility, and thermodynamic stability) performed at Invitae indicates that this missense variant is expected to disrupt NAGLU protein function. In summary, the available evidence is currently insufficient to determine the role of this variant in disease. Therefore, it has been classified as a Variant of Uncertain Significance.

NM_000263.4(NAGLU):c.278T>C (p.Leu93Pro)

Genes: NAGLU (N-acetyl-alpha-glucosaminidase; plus strand), LOC130060903 (ATAC-STARR-seq lymphoblastoid silent region 8533; plus strand). Cytogenetic location: 17q21.2.
Variant type: single nucleotide variant.
Coding change: c.278T>C on transcript NM_000263.4 (MANE Select); coding-DNA position 278, T replaced by C.
Protein change: p.Leu93Pro; replaces leucine 93 with proline.
Molecular consequence: missense variant.
Genome position (GRCh38, 1-based): chr17:42,536,550, T>C. VCF-style: chr17-42536550-T-C. GRCh37 (hg19) VCF-style: chr17-40688568-T-C.
Other names: short protein forms L93P.
Identifiers: ClinVar variation 2089146 (VCV002089146.1), dbSNP rs2510650448, ClinGen allele CA399595922.